The following is an entry in ClinVar:

ClinVar aggregate classification (germline): Uncertain significance (1 of 4 stars; one submission).

Submission:

Ambry Genetics
Classification: Uncertain significance. Last evaluated: 2025-07-11. Review status: criteria provided, single submitter. Criteria: Ambry Variant Classification Scheme 2023. Collection method: clinical testing. Allele origin: germline.
Comment: The p.V762A variant (also known as c.2285T>C), located in coding exon 13 of the GEN1 gene, results from a T to C substitution at nucleotide position 2285. The valine at codon 762 is replaced by alanine, an amino acid with similar properties. This amino acid position is conserved. In addition, this alteration is predicted to be tolerated by in silico analysis. Based on the available evidence, the clinical significance of this variant remains unclear.

NM_001130009.3(GEN1):c.2285T>C (p.Val762Ala)

Gene: GEN1 (GEN1 Holliday junction 5' flap endonuclease; plus strand). Cytogenetic location: 2p24.2.
Variant type: single nucleotide variant.
Coding change: c.2285T>C on transcript NM_001130009.3 (MANE Select); coding-DNA position 2285, T replaced by C.
Protein change: p.Val762Ala; replaces valine 762 with alanine.
Molecular consequence: missense variant.
Genome position (GRCh38, 1-based): chr2:17,781,497, T>C. VCF-style: chr2-17781497-T-C. GRCh37 (hg19) VCF-style: chr2-17962764-T-C.
Other names: c.2285T>C, p.Val762Ala (NM_182625.5); short protein forms V762A.
Identifiers: ClinVar variation 4263020 (VCV004263020.1).